The following is an entry in ClinVar:

NM_001372044.2(SHANK3):c.3083C>G (p.Pro1028Arg)

Gene: SHANK3 (SH3 and multiple ankyrin repeat domains 3; plus strand). Cytogenetic location: 22q13.33.
Variant type: single nucleotide variant.
Coding change: c.3083C>G on transcript NM_001372044.2 (MANE Select); coding-DNA position 3083, C replaced by G.
Protein change: p.Pro1028Arg; replaces proline 1028 with arginine.
Molecular consequence: missense variant.
Genome position (GRCh38, 1-based): chr22:50,720,691, C>G. VCF-style: chr22-50720691-C-G. GRCh37 (hg19) VCF-style: chr22-51159119-C-G.
Other names: c.2858C>G, p.Pro953Arg (NM_033517.1); short protein forms P953R, P1028R.
Identifiers: ClinVar variation 451372 (VCV000451372.2), dbSNP rs779406129, ClinGen allele CA515260014.

ClinVar aggregate classification (germline): Uncertain significance (1 of 4 stars; one submission).

Submission:

GeneDx
Classification: Uncertain significance. Last evaluated: 2017-08-17. Review status: criteria provided, single submitter. Criteria: GeneDx Variant Classification (06012015). Collection method: clinical testing. Allele origin: germline. Affected: yes.
Comment: The P953R variant has not been published as a pathogenic variant, nor has it been reported as a benign variant to our knowledge. Adequate data is not available in large population cohorts to assess the frequency of this variant in publicly available databases (Lek et al., 2016); however, this variant has not been detected in presumably healthy individuals tested at GeneDx. The P953R variant is a non-conservative amino acid substitution that occurs at a position that is conserved in mammals. In silico analysis is inconsistent in its predictions as to whether or not the variant is damaging to the protein structure/function. Therefore, based on the currently available information, it is unclear whether this variant is a pathogenic variant or a rare benign variant.